The following is an entry in ClinVar:

NM_001365951.3(KIF1B):c.1862-5G>T

Gene: KIF1B (kinesin family member 1B; plus strand). Cytogenetic location: 1p36.22.
Variant type: single nucleotide variant.
Coding change: c.1862-5G>T on transcript NM_001365951.3 (MANE Select); 5 bases into the intron before coding-DNA position 1862, G replaced by T.
Molecular consequence: intron variant.
Genome position (GRCh38, 1-based): chr1:10,296,892, G>T. VCF-style: chr1-10296892-G-T. GRCh37 (hg19) VCF-style: chr1-10356950-G-T.
Other names: c.1724-5G>T (NM_183416.4, NM_015074.3, NM_001365953.1); c.1862-5G>T (NM_001365952.1).
Identifiers: ClinVar variation 1778825 (VCV001778825.2), dbSNP rs1650293116, ClinGen allele CA1153149822.

ClinVar aggregate classification (germline): Uncertain significance (1 of 4 stars; one submission).

Submission:

Ambry Genetics
Classification: Uncertain significance. Last evaluated: 2021-09-02. Review status: criteria provided, single submitter. Criteria: Ambry Variant Classification Scheme 2023. Collection method: clinical testing. Allele origin: germline.
Comment: The c.1724-5G>T intronic variant results from a G to T substitution 5 nucleotides upstream from coding exon 18 in the KIF1B gene. This nucleotide position is not well conserved in available vertebrate species. In silico splice site analysis predicts that this alteration will not have any significant effect on splicing. Since supporting evidence is limited at this time, the clinical significance of this alteration remains unclear.